The following is an entry in ClinVar:

ClinVar aggregate classification (germline): Uncertain significance. Review status: criteria provided, multiple submitters, no conflicts (2 of 4 stars). 3 submissions from 3 submitters: Uncertain significance (3). Last evaluated 2025-09-04.

Conditions:
Familial sleep-related hypermotor epilepsy. Also called: Autosomal Dominant Sleep-Related Hypermotor (Hyperkinetic) Epilepsy. Identifiers: Orphanet 98784, MedGen C3696898, MONDO:0000030.

Submissions (3):

Women's Health and Genetics/Laboratory Corporation of America, LabCorp
Classification: Uncertain significance. Last evaluated: 2025-09-04. Review status: criteria provided, single submitter. Criteria: LabCorp Variant Classification Summary - May 2015. Collection method: clinical testing. Allele origin: germline.
Comment: Variant summary: CHRNA4 c.147_149delCAA (p.Asn49del) results in an in-frame deletion that is predicted to remove one amino acid from the encoded protein. The variant allele was found at a frequency of 2.8e-05 in 249816 control chromosomes (gnomAD). The available data on variant occurrences in the general population are insufficient to allow any conclusion about variant significance. To our knowledge, no occurrence of c.147_149delCAA in individuals affected with CHRNA4-related conditions and no experimental evidence demonstrating its impact on protein function have been reported. ClinVar contains an entry for this variant (Variation ID: 422229). Based on the evidence outlined above, the variant was classified as uncertain significance.

Labcorp Genetics (formerly Invitae), Labcorp
Classification: Uncertain significance. Last evaluated: 2024-06-03. Review status: criteria provided, single submitter. Criteria: Invitae Variant Classification Sherloc (09022015). Collection method: clinical testing. Allele origin: germline.
Comment: This variant, c.147_149del, results in the deletion of 1 amino acid(s) of the CHRNA4 protein (p.Asn49del), but otherwise preserves the integrity of the reading frame. This variant is present in population databases (rs780385531, gnomAD 0.006%). This variant has not been reported in the literature in individuals affected with CHRNA4-related conditions. This variant has been observed in at least one individual who was not affected with CHRNA4-related conditions (Invitae). Experimental studies and prediction algorithms are not available or were not evaluated, and the functional significance of this variant is currently unknown. In summary, the available evidence is currently insufficient to determine the role of this variant in disease. Therefore, it has been classified as a Variant of Uncertain Significance.

GeneDx
Classification: Uncertain significance. Last evaluated: 2016-09-09. Review status: criteria provided, single submitter. Criteria: GeneDx Variant Classification (06012015). Collection method: clinical testing. Allele origin: germline. Affected: yes.
Comment: A variant of uncertain significance has been identified in the CHRNA4 gene. The c.147_149delCAA variant has not been published as a pathogenic variant, nor has it been reported as a benign variant to our knowledge. It was not observed in approximately 6,500 individuals of European and African American ancestry in the NHLBI Exome Sequencing Project and was not observed with any significant frequency in the 1000 Genomes Project. The c.147_149delCAA results in an in-frame deletion of a single Asparagine residue, denoted p.Asn49del. This deletion occurs at a position that is conserved across species. However, this variant is not predicted to cause loss of normal protein function either through protein truncation or nonsense-mediated mRNA decay. Therefore, based on the currently available information, it is unclear whether this variant is a pathogenic variant or a rare benign variant.

NM_000744.7(CHRNA4):c.144CAA[1] (p.Asn49del)

Gene: CHRNA4 (cholinergic receptor nicotinic alpha 4 subunit; minus strand). Cytogenetic location: 20q13.33.
Variant type: Microsatellite.
Coding change: c.144CAA[1] on transcript NM_000744.7 (MANE Select); one copy of the 3-base unit CAA starting at c.144; the reference has two copies in a row; one copy, 3 bases deleted.
Protein change: p.Asn49del; deletes asparagine 49.
Molecular consequence: inframe deletion. On other transcripts: 5 prime UTR variant (1), non-coding transcript variant (1).
Genome position (GRCh38, 1-based): chr20:63,359,627-63,359,629, TTG deleted on the plus strand (CAA on the coding strand, the reverse complement: CHRNA4 is on the minus strand); deleting any 3 consecutive bases within chr20:63,359,627-63,359,633 gives the same sequence; the position shown is the placement nearest the transcript's 3' end. VCF-style (leftmost placement, unchanged base first): chr20-63359626-CTTG-C. GRCh37 (hg19) VCF-style: chr20-61990978-CTTG-C.
Other names: c.147_149delCAA (NM_000744.7); c.-403CAA[1] (NM_001256573.2); short protein forms N49del.
Identifiers: ClinVar variation 422229 (VCV000422229.9), dbSNP rs780385531, ClinGen allele CA9957961.
Genomic context (GRCh38, chr20:63,359,626, plus strand): 5'-GATGGACAGGCCGAAGCGGACGAGGACCACGTCCGAGATGTTGGCCACGGGTCGGGACCA[CTTG>C]TTGTAACCGGAGAAGAGTTTCTTCAGGAGCCGCTCCTCGGCGTGGGCCCGGGTCTCCACA-3'